The following is an entry in ClinVar:

NM_182914.3(SYNE2):c.8282T>C (p.Ile2761Thr)

Gene: SYNE2 (spectrin repeat containing nuclear envelope protein 2; plus strand). Cytogenetic location: 14q23.2.
Variant type: single nucleotide variant.
Coding change: c.8282T>C on transcript NM_182914.3 (MANE Select); coding-DNA position 8282, T replaced by C.
Protein change: p.Ile2761Thr; replaces isoleucine 2761 with threonine.
Molecular consequence: missense variant.
Genome position (GRCh38, 1-based): chr14:64,052,195, T>C. VCF-style: chr14-64052195-T-C. GRCh37 (hg19) VCF-style: chr14-64518913-T-C.
Other names: c.8282T>C, p.Ile2761Thr (NM_015180.6); short protein forms I2761T.
Identifiers: ClinVar variation 2761646 (VCV002761646.3), dbSNP rs2548321279, ClinGen allele CA389965889.
Genomic context (GRCh38, chr14:64,052,195, plus strand): 5'-TATGGGCCAAGAATTTGTTGGGTGAACTTAATCCCTCCATTCCCCTTCTCCCAGATGACA[T>C]TCTTTCACAGATCAGAAAGTGCAAAGTGACACATGATGGCATTCTAGCTAGGCAGCAGTC-3'
Protein context (NP_878918.2, residues 2751-2771): NPSIPLLPDD[Ile2761Thr]LSQIRKCKVT

ClinVar aggregate classification (germline): Uncertain significance (1 of 4 stars; one submission).

Conditions:
Emery-Dreifuss muscular dystrophy 5, autosomal dominant (EDMD5). Also called: EMERY-DREIFUSS MUSCULAR DYSTROPHY 5. Identifiers: Orphanet 261, MedGen C2751805, MONDO:0013072, OMIM 612999.

Submission:

Labcorp Genetics (formerly Invitae), Labcorp
Classification: Uncertain significance for Emery-Dreifuss muscular dystrophy 5, autosomal dominant. Last evaluated: 2023-09-19. Review status: criteria provided, single submitter. Criteria: Invitae Variant Classification Sherloc (09022015). Collection method: clinical testing. Allele origin: germline.
Comment: This sequence change replaces isoleucine, which is neutral and non-polar, with threonine, which is neutral and polar, at codon 2761 of the SYNE2 protein (p.Ile2761Thr). This variant is not present in population databases (gnomAD no frequency). This variant has not been reported in the literature in individuals affected with SYNE2-related conditions. An algorithm developed to predict the effect of missense changes on protein structure and function (PolyPhen-2) suggests that this variant is likely to be disruptive. In summary, the available evidence is currently insufficient to determine the role of this variant in disease. Therefore, it has been classified as a Variant of Uncertain Significance.